The following is an entry in ClinVar:

NM_000117.3(EMD):c.449+4C>T

Gene: EMD (emerin; plus strand). Cytogenetic location: Xq28.
Variant type: single nucleotide variant.
Coding change: c.449+4C>T on transcript NM_000117.3 (MANE Select); 4 bases into the intron after coding-DNA position 449, C replaced by T.
Molecular consequence: intron variant.
Genome position (GRCh38, 1-based): chrX:154,380,806, C>T. VCF-style: chrX-154380806-C-T. GRCh37 (hg19) VCF-style: chrX-153609166-C-T.
Identifiers: ClinVar variation 283321 (VCV000283321.13), dbSNP rs886044810, ClinGen allele CA10604459.

ClinVar aggregate classification (germline): Uncertain significance. Review status: criteria provided, multiple submitters, no conflicts (2 of 4 stars). 4 submissions from 4 submitters: Uncertain significance (4). Last evaluated 2022-10-21.

Conditions:
Cardiovascular phenotype. Identifiers: MedGen CN230736.
X-linked Emery-Dreifuss muscular dystrophy. Also called: Muscular dystrophy, tardive Emery-Dreifuss type, with contractures. Identifiers: Orphanet 261, Orphanet 98863, MedGen C0751337, MONDO:0010680.

Allele frequency attached by ClinVar (database versions not stated): gnomAD exomes below 0.00001.
gnomAD v4.1: 6 of 1,211,892 alleles (0.0005%); highest among the groups gnomAD compares: African/African-American, 0.0017%; no homozygotes.

Submissions (4):

Ambry Genetics
Classification: Uncertain significance for Cardiovascular phenotype. Last evaluated: 2022-10-21. Review status: criteria provided, single submitter. Criteria: Ambry Variant Classification Scheme 2023. Collection method: clinical testing. Allele origin: germline.
Comment: The c.449+4C>T intronic variant results from a C to T substitution 4 nucleotides after coding exon 5 in the EMD gene. This nucleotide position is poorly conserved in available vertebrate species. In silico splice site analysis predicts that this alteration will not have any significant effect on splicing. Since supporting evidence is limited at this time, the clinical significance of this alteration remains unclear.

Labcorp Genetics (formerly Invitae), Labcorp
Classification: Uncertain significance for X-linked Emery-Dreifuss muscular dystrophy. Last evaluated: 2022-06-20. Review status: criteria provided, single submitter. Criteria: Invitae Variant Classification Sherloc (09022015). Collection method: clinical testing. Allele origin: germline.
Comment: This sequence change falls in intron 5 of the EMD gene. It does not directly change the encoded amino acid sequence of the EMD protein. It affects a nucleotide within the consensus splice site. This variant is not present in population databases (gnomAD no frequency). This variant has been observed in individual(s) with EMD-related conditions (PMID: 21520333). ClinVar contains an entry for this variant (Variation ID: 283321). Variants that disrupt the consensus splice site are a relatively common cause of aberrant splicing (PMID: 17576681, 9536098). Algorithms developed to predict the effect of sequence changes on RNA splicing suggest that this variant is not likely to affect RNA splicing. In summary, the available evidence is currently insufficient to determine the role of this variant in disease. Therefore, it has been classified as a Variant of Uncertain Significance.

Fulgent Genetics
Classification: Uncertain significance for Emery-Dreifuss muscular dystrophy 1, X-linked. Last evaluated: 2021-11-09. Review status: criteria provided, single submitter. Criteria: ACMG Guidelines, 2015. Collection method: clinical testing. Allele origin: unknown.

Eurofins Ntd Llc (ga)
Classification: Uncertain significance. Last evaluated: 2015-09-21. Review status: criteria provided, single submitter. Criteria: EGL Classification Definitions 2015. Collection method: clinical testing. Allele origin: germline. Observed: 1 variant allele, 1 hemizygote.

Literature cited by the submitters: PubMed 21520333 (cited by Labcorp Genetics (formerly Invitae), Labcorp); PubMed 17576681 (cited by Labcorp Genetics (formerly Invitae), Labcorp); PubMed 9536098 (cited by Labcorp Genetics (formerly Invitae), Labcorp).